The following is an entry in ClinVar:

NM_001042492.3(NF1):c.1222dup (p.Tyr408fs)

Gene: NF1 (neurofibromin 1; plus strand). Cytogenetic location: 17q11.2.
Variant type: Duplication.
Coding change: c.1222dup on transcript NM_001042492.3 (MANE Select); coding-DNA position 1222, one base duplicated (T; older notation c.1222dupT).
Protein change: p.Tyr408fs; shifts the reading frame from tyrosine 408.
Molecular consequence: frameshift variant.
Genome position (GRCh38, 1-based): chr17:31,201,447, T duplicated. VCF-style (leftmost placement, unchanged base first): chr17-31201446-C-CT. GRCh37 (hg19) VCF-style: chr17-29528464-C-CT.
Other names: c.1222dup, p.Tyr408Leufs (NM_000267.4); c.1222dup, p.Tyr408fs (NM_001128147.3); short protein forms Y408fs.
Identifiers: ClinVar variation 2027171 (VCV002027171.4), dbSNP rs2544799852, ClinGen allele CA2580092976.

ClinVar aggregate classification (germline): Pathogenic (1 of 4 stars; one submission).

Conditions:
Neurofibromatosis, type 1 (NF1). Also called: NEUROFIBROMATOSIS, TYPE I, SOMATIC; Neurofibromatosis, type I; Peripheral type neurofibromatosis; VON RECKLINGHAUSEN DISEASE. Identifiers: Orphanet 636, MedGen C0027831, MONDO:0018975, OMIM 162200. Disease mechanism: loss of function.

Submission:

Labcorp Genetics (formerly Invitae), Labcorp
Classification: Pathogenic for Neurofibromatosis, type 1. Last evaluated: 2022-08-27. Review status: criteria provided, single submitter. Criteria: Invitae Variant Classification Sherloc (09022015). Collection method: clinical testing. Allele origin: germline.
Comment: This sequence change creates a premature translational stop signal (p.Tyr408Leufs*21) in the NF1 gene. It is expected to result in an absent or disrupted protein product. Loss-of-function variants in NF1 are known to be pathogenic (PMID: 10712197, 23913538). This variant is not present in population databases (gnomAD no frequency). This variant has not been reported in the literature in individuals affected with NF1-related conditions. For these reasons, this variant has been classified as Pathogenic.

Literature cited by the submitters: PubMed 10712197; PubMed 23913538.